The following is an entry in ClinVar:

ClinVar aggregate classification (germline): Conflicting classifications of pathogenicity. Review status: criteria provided, conflicting classifications (1 of 4 stars). 8 submissions from 8 submitters: Uncertain significance (6); Likely benign (2). Last evaluated 2026-07-01.

Conditions:
Actin accumulation myopathy (CMYO2A). Also called: CONGENITAL MYOPATHY 2A, TYPICAL, AUTOSOMAL DOMINANT; Myopathy, actin, congenital, with cores; Nemaline myopathy 3, with intranuclear rods; Nemaline myopathy type 3; Myopathy, actin, congenital, with excess of thin myofilaments. Identifiers: Orphanet 98904, MedGen C3711389, MONDO:0008070, OMIM 161800.
Arthrogryposis multiplex congenita 6. Identifiers: MedGen C5543431, MONDO:0030281, OMIM 619334.
Nemaline myopathy 2 (NEM2). Also called: Nemaline myopathy 2, autosomal recessive. Identifiers: MedGen C1850569, MONDO:0009725, OMIM 256030.

Allele frequency attached by ClinVar (database versions not stated): 1000 Genomes Project 0.00060; 1000 Genomes Project 30x 0.00062; ExAC 0.00081; gnomAD 0.00093 and 0.00095; gnomAD exomes 0.00097 and 0.00125; TOPMed 0.00099; ESP Exome Variant Server 0.00116.
gnomAD v4.1: 1,948 of 1,613,034 alleles (0.12%); highest among the groups gnomAD compares: Middle Eastern, 0.23%; 3 homozygotes.

Submissions (8):

CeGaT Center for Human Genetics Tuebingen
Classification: Likely benign. Last evaluated: 2026-07-01. Review status: criteria provided, single submitter. Criteria: CeGaT Center For Human Genetics Tuebingen Variant Classification Criteria Version 2. Collection method: clinical testing. Allele origin: germline. Affected: yes. Observed: 7 variant alleles.
Comment: NEB: BS2

Blueprint Genetics
Classification: Uncertain significance. Last evaluated: 2024-11-05. Review status: criteria provided, single submitter. Criteria: ACMG Guidelines, 2015. Collection method: clinical testing. Allele origin: germline.

Fulgent Genetics
Classification: Uncertain significance for Nemaline myopathy 2; Arthrogryposis multiplex congenita 6. Last evaluated: 2024-02-08. Review status: criteria provided, single submitter. Criteria: ACMG Guidelines, 2015. Collection method: clinical testing. Allele origin: germline.

ARUP Laboratories, Molecular Genetics and Genomics, ARUP Laboratories
Classification: Uncertain significance. Last evaluated: 2023-09-22. Review status: criteria provided, single submitter. Criteria: ARUP Molecular Germline Variant Investigation Process 2024. Collection method: clinical testing. Allele origin: germline.

Labcorp Genetics (formerly Invitae), Labcorp
Classification: Uncertain significance for Nemaline myopathy 2. Last evaluated: 2022-10-17. Review status: criteria provided, single submitter. Criteria: Invitae Variant Classification Sherloc (09022015). Collection method: clinical testing. Allele origin: germline.
Comment: This sequence change replaces aspartic acid, which is acidic and polar, with alanine, which is neutral and non-polar, at codon 1329 of the NEB protein (p.Asp1329Ala). This variant is present in population databases (rs115986826, gnomAD 0.2%), and has an allele count higher than expected for a pathogenic variant. This missense change has been observed in individual(s) with clinical features of nemaline myopathy (Invitae). ClinVar contains an entry for this variant (Variation ID: 331513). Algorithms developed to predict the effect of missense changes on protein structure and function are either unavailable or do not agree on the potential impact of this missense change (SIFT: "Deleterious"; PolyPhen-2: "Not Available"; Align-GVGD: "Class C0"). In summary, the available evidence is currently insufficient to determine the role of this variant in disease. Therefore, it has been classified as a Variant of Uncertain Significance.

Mayo Clinic Laboratories, Mayo Clinic
Classification: Uncertain significance. Last evaluated: 2021-09-17. Review status: criteria provided, single submitter. Criteria: ACMG Guidelines, 2015. Collection method: clinical testing. Allele origin: germline.

GeneDx
Classification: Likely benign. Last evaluated: 2020-09-22. Review status: criteria provided, single submitter. Criteria: GeneDx Variant Classification Process June 2021. Collection method: clinical testing. Allele origin: germline. Affected: yes.
Comment: This variant is associated with the following publications: (PMID: 30091983)

Illumina Laboratory Services, Illumina
Classification: Uncertain significance for Nemaline myopathy 2. Last evaluated: 2018-01-13. Review status: criteria provided, single submitter. Criteria: ICSL Variant Classification Criteria 13 December 2019. Collection method: clinical testing. Allele origin: germline.

NM_001164508.2(NEB):c.3986A>C (p.Asp1329Ala)

Gene: NEB (nebulin; minus strand). Cytogenetic location: 2q23.3.
Variant type: single nucleotide variant.
Coding change: c.3986A>C on transcript NM_001164508.2 (MANE Select); coding-DNA position 3986, A replaced by C.
Protein change: p.Asp1329Ala; replaces aspartic acid 1329 with alanine.
Molecular consequence: missense variant.
Genome position (GRCh38, 1-based): chr2:151,674,478, T>G on the plus strand (A>C on the coding strand, the complement: NEB is on the minus strand). VCF-style: chr2-151674478-T-G. GRCh37 (hg19) VCF-style: chr2-152530992-T-G.
Other names: p.Asp1329Ala; c.3986A>C, p.Asp1329Ala (NM_001164507.2, NM_001271208.2, NM_004543.5); short protein forms D1329A.
Identifiers: ClinVar variation 331513 (VCV000331513.43), dbSNP rs115986826, ClinGen allele CA1910775.